The following is an entry in ClinVar:

ClinVar aggregate classification (germline): Benign. Review status: reviewed by expert panel (3 of 4 stars). 8 submissions from 6 submitters: Benign (1). 7 of the submissions do not count toward it. Last evaluated 2024-08-07.

Conditions:
King Denborough syndrome (KDS). Identifiers: MedGen C1840365, MONDO:0020485, OMIM 619542.
Congenital multicore myopathy with external ophthalmoplegia (CMYO1B). Also called: MULTIMINICORE DISEASE WITH EXTERNAL OPHTHALMOPLEGIA; Congenital myopathy 1B, autosomal recessive; Minicore myopathy; Minicore myopathy with external ophthalmoplegia; MULTICORE MYOPATHY. Identifiers: Orphanet 598, Orphanet 98905, MedGen C1850674, MONDO:0009712, OMIM 255320, HP:0003789.
Central core myopathy (CMYO1A). Also called: Central core disease; Myopathy, central fibrillar; CONGENITAL MYOPATHY 1A, AUTOSOMAL DOMINANT, WITH SUSCEPTIBILITY TO MALIGNANT HYPERTHERMIA. Identifiers: Orphanet 597, MedGen C5830701, MONDO:0007294, OMIM 117000.
RYR1-related myopathy. Identifiers: Orphanet 98742, MedGen CN305348, MONDO:0100150.

Allele frequency attached by ClinVar (database versions not stated): ESP Exome Variant Server 0.29257; gnomAD 0.32633 and 0.32146; gnomAD exomes 0.27009 and 0.31398; ExAC 0.33911; 1000 Genomes Project 0.40595; TOPMed 0.33255; 1000 Genomes Project 30x 0.40240.
gnomAD v4.1: 417,168 of 1,508,748 alleles (28%); highest among the groups gnomAD compares: South Asian, 44%; 61,747 homozygotes.

Submissions (8):

ClinGen Congenital Myopathies Variant Curation Expert Panel, ClinGen
Classification: Benign for RYR1-related myopathy. Last evaluated: 2024-08-07. Review status: reviewed by expert panel. Criteria: ClinGen CongenMyopathy ACMG Specifications RYR1 AR V1.0.0. Collection method: curation. Allele origin: germline. Inheritance: Autosomal unknown.
Comment: The variant NM_000540.3:c.8400+28A>G in RYR1 is an intronic variant located in intron 53. The filtering allele frequency (the lower threshold of the 95% CI of 37922/85572, 8751 homozygotes) of the c.8400+28A>G variant in RYR1 is 0.4383 for South Asian chromosomes by gnomAD v4.1, which is higher than the ClinGen Congenital Myopathies VCEP threshold (≥0.00697) for BA1, and therefore meets this criterion (BA1). The c.8400+28A>G variant is an intronic variant that is not predicted by SpliceAI to impact splicing. In addition, it occurs at a nucleotide that is not conserved as shown by UCSC Genome Browser (BP4, BP7). In summary, the variant meets criteria to be classified as benign. ACMG/AMP criteria met, as specified by the congenital myopathies VCEP: BA1, BP4, BP7 (ClinGen Congenital Myopathies VCEP specifications version 1; 8/7/2024).

Genome-Nilou Lab
Classification: Benign for Central core myopathy. Last evaluated: 2021-11-07. Review status: criteria provided, single submitter. Criteria: ACMG Guidelines, 2015. Collection method: clinical testing. Allele origin: germline. Affected: no. Not counted in ClinVar's aggregate classification.

Genome-Nilou Lab
Classification: Benign for King Denborough syndrome. Last evaluated: 2021-11-07. Review status: criteria provided, single submitter. Criteria: ACMG Guidelines, 2015. Collection method: clinical testing. Allele origin: germline. Affected: no. Not counted in ClinVar's aggregate classification.

Genome-Nilou Lab
Classification: Benign for Congenital multicore myopathy with external ophthalmoplegia. Last evaluated: 2021-11-07. Review status: criteria provided, single submitter. Criteria: ACMG Guidelines, 2015. Collection method: clinical testing. Allele origin: germline. Affected: no. Not counted in ClinVar's aggregate classification.

GeneDx
Classification: Benign. Last evaluated: 2018-06-14. Review status: criteria provided, single submitter. Criteria: GeneDx Variant Classification (06012015). Collection method: clinical testing. Allele origin: germline. Affected: yes. Not counted in ClinVar's aggregate classification.
Comment: This variant is considered likely benign or benign based on one or more of the following criteria: it is a conservative change, it occurs at a poorly conserved position in the protein, it is predicted to be benign by multiple in silico algorithms, and/or has population frequency not consistent with disease.

PreventionGenetics, part of Exact Sciences
Classification: Benign. Last evaluated: 2013-10-25. Review status: criteria provided, single submitter. Criteria: ACMG Guidelines, 2015. Collection method: clinical testing. Allele origin: germline. Not counted in ClinVar's aggregate classification.

Breakthrough Genomics
Classification: Benign. Review status: criteria provided, single submitter. Criteria: ACMG Guidelines, 2015. Collection method: not provided. Allele origin: germline. Inheritance: Autosomal recessive inheritance. Affected: yes. Not counted in ClinVar's aggregate classification.

RYR1 database
No classification provided. Review status: no classification provided. Collection method: not provided. Allele origin: unknown. Not counted in ClinVar's aggregate classification.

NM_000540.3(RYR1):c.8400+28A>G

Genes: RYR1 (ryanodine receptor 1; plus strand), LOC126862902 (BRD4-independent group 4 enhancer GRCh37_chr19:38995830-38997029; plus strand). Cytogenetic location: 19q13.2.
Variant type: single nucleotide variant.
Coding change: c.8400+28A>G on transcript NM_000540.3 (MANE Select); 28 bases into the intron after coding-DNA position 8400, A replaced by G.
Molecular consequence: intron variant.
Genome position (GRCh38, 1-based): chr19:38,505,426, A>G. VCF-style: chr19-38505426-A-G. GRCh37 (hg19) VCF-style: chr19-38996066-A-G.
Other names: c.8400+28A>G (NM_001042723.2).
Identifiers: ClinVar variation 133224 (VCV000133224.7), dbSNP rs2915953, ClinGen allele CA024918.
Genomic context (GRCh38, chr19:38,505,426, plus strand): 5'-ATGCTGAGGCCCTACAAGACCTTTTCAGAGAAGGTGACCAGGCCTTGGGGCCCAGCATTG[A>G]GGGTCAAAATGAAACCCCCAAATTTGAGGATTCGGGGAGGAGTGAGGCAATTTCACATGT-3'